The following is an entry in ClinVar:

ClinVar aggregate classification (germline): Likely pathogenic. Review status: criteria provided, multiple submitters, no conflicts (2 of 4 stars). 6 submissions from 6 submitters: Likely pathogenic (6). Last evaluated 2025-12-11.

Conditions:
Neurofibromatosis, type 1 (NF1). Also called: VON RECKLINGHAUSEN DISEASE; Peripheral type neurofibromatosis; Neurofibromatosis, type I; NEUROFIBROMATOSIS, TYPE I, SOMATIC. Identifiers: Orphanet 636, MedGen C0027831, MONDO:0018975, OMIM 162200. Disease mechanism: loss of function.
NF1-related disorder. Also called: NF1-related condition. Identifiers: MedGen CN379171.

Allele frequency attached by ClinVar (database versions not stated): gnomAD exomes below 0.00001.
gnomAD v4.1: 1 of 1,582,912 alleles (0.000063%); highest among the groups gnomAD compares: East Asian, 0.0022%; no homozygotes.

Submissions (6):

Medical and Scientific Branch, Hong Kong Genome Institute
Classification: Likely pathogenic for Neurofibromatosis, type 1. Last evaluated: 2025-12-11. Review status: criteria provided, single submitter. Criteria: ACMG Guidelines, 2015. Collection method: clinical testing. Allele origin: de novo. Affected: yes.

Genome-Nilou Lab
Classification: Likely pathogenic for Neurofibromatosis, type 1. Last evaluated: 2022-03-15. Review status: criteria provided, single submitter. Criteria: ACMG Guidelines, 2015. Collection method: clinical testing. Allele origin: germline. Affected: no.

Labcorp Genetics (formerly Invitae), Labcorp
Classification: Likely pathogenic for Neurofibromatosis, type 1. Last evaluated: 2021-11-15. Review status: criteria provided, single submitter. Criteria: Invitae Variant Classification Sherloc (09022015). Collection method: clinical testing. Allele origin: germline.
Comment: ClinVar contains an entry for this variant (Variation ID: 547685). This variant is also known as c.6921G>A. This missense change has been observed in individual(s) with Neurofibromatosis, type 1 and/or NF1-related conditions (PMID: 10862084; Invitae). This variant is not present in population databases (gnomAD no frequency). This sequence change replaces lysine, which is basic and polar, with asparagine, which is neutral and polar, at codon 2286 of the NF1 protein (p.Lys2286Asn). This variant also falls at the last nucleotide of exon 45, which is part of the consensus splice site for this exon. Algorithms developed to predict the effect of missense changes on protein structure and function (SIFT, PolyPhen-2, Align-GVGD) all suggest that this variant is likely to be tolerated. Variants that disrupt the consensus splice site are a relatively common cause of aberrant splicing (PMID: 17576681, 9536098). Studies have shown that this variant is associated with altered splicing, but the impact on the resulting protein product is unknown (PMID: 10862084, 27074763). In summary, the currently available evidence indicates that the variant is pathogenic, but additional data are needed to prove that conclusively. Therefore, this variant has been classified as Likely Pathogenic.

Genome Diagnostics Laboratory, The Hospital for Sick Children
Classification: Likely pathogenic for Neurofibromatosis, type 1. Last evaluated: 2020-10-26. Review status: criteria provided, single submitter. Criteria: ACMG Guidelines, 2015. Collection method: clinical testing. Allele origin: germline. Affected: yes.

Blueprint Genetics
Classification: Likely pathogenic for NF1-related disorders. Last evaluated: 2020-10-08. Review status: criteria provided, single submitter. Criteria: ACMG Guidelines, 2015. Collection method: clinical testing. Allele origin: germline. Affected: yes. Observed: 1 variant allele.

Center for Human Genetics, Inc
Classification: Likely pathogenic for Neurofibromatosis, type 1. Last evaluated: 2016-11-01. Review status: criteria provided, single submitter. Criteria: ACMG Guidelines, 2015. Collection method: clinical testing. Allele origin: germline. Affected: yes.

Literature cited by the submitters: PubMed 10862084 (cited by Labcorp Genetics (formerly Invitae), Labcorp); PubMed 17576681 (cited by Labcorp Genetics (formerly Invitae), Labcorp); PubMed 9536098 (cited by Labcorp Genetics (formerly Invitae), Labcorp); PubMed 27074763 (cited by Labcorp Genetics (formerly Invitae), Labcorp).

NM_001042492.3(NF1):c.6921G>C (p.Lys2307Asn)

Gene: NF1 (neurofibromin 1; plus strand). Cytogenetic location: 17q11.2.
Variant type: single nucleotide variant.
Coding change: c.6921G>C on transcript NM_001042492.3 (MANE Select); coding-DNA position 6921, G replaced by C.
Protein change: p.Lys2307Asn; replaces lysine 2307 with asparagine.
Molecular consequence: missense variant.
Genome position (GRCh38, 1-based): chr17:31,338,805, G>C. VCF-style: chr17-31338805-G-C. GRCh37 (hg19) VCF-style: chr17-29665823-G-C.
Other names: c.6858G>C, p.Lys2286Asn (NM_000267.4); short protein forms K2286N, K2307N.
Identifiers: ClinVar variation 547685 (VCV000547685.12), dbSNP rs1057523533, ClinGen allele CA399014457.